The following is an entry in ClinVar:

ClinVar aggregate classification (germline): Uncertain significance (1 of 4 stars; one submission).

Conditions:
Brugada syndrome 8 (BRGDA8). Identifiers: Orphanet 130, MedGen C2751083, MONDO:0013148, OMIM 613123.

Submission:

Labcorp Genetics (formerly Invitae), Labcorp
Classification: Uncertain significance for Brugada syndrome 8. Last evaluated: 2023-10-06. Review status: criteria provided, single submitter. Criteria: Invitae Variant Classification Sherloc (09022015). Collection method: clinical testing. Allele origin: germline.
Comment: This sequence change falls in intron 6 of the HCN4 gene. It does not directly change the encoded amino acid sequence of the HCN4 protein. It affects a nucleotide within the consensus splice site. This variant is not present in population databases (gnomAD no frequency). This variant has not been reported in the literature in individuals affected with HCN4-related conditions. Variants that disrupt the consensus splice site are a relatively common cause of aberrant splicing (PMID: 17576681, 9536098). Algorithms developed to predict the effect of sequence changes on RNA splicing suggest that this variant is not likely to affect RNA splicing. In summary, the available evidence is currently insufficient to determine the role of this variant in disease. Therefore, it has been classified as a Variant of Uncertain Significance.

Literature cited by the submitters: PubMed 17576681; PubMed 9536098.

NM_005477.3(HCN4):c.1978+3G>A

Gene: HCN4 (hyperpolarization activated cyclic nucleotide gated potassium channel 4; minus strand). Cytogenetic location: 15q24.1.
Variant type: single nucleotide variant.
Coding change: c.1978+3G>A on transcript NM_005477.3 (MANE Select); 3 bases into the intron after coding-DNA position 1978, G replaced by A.
Molecular consequence: intron variant.
Genome position (GRCh38, 1-based): chr15:73,324,952, C>T on the plus strand (G>A on the coding strand, the complement: HCN4 is on the minus strand). VCF-style: chr15-73324952-C-T. GRCh37 (hg19) VCF-style: chr15-73617293-C-T.
Identifiers: ClinVar variation 2766245 (VCV002766245.3), dbSNP rs113112855, ClinGen allele CA2697549186.
Genomic context (GRCh38, chr15:73,324,952, plus strand): 5'-TATCTCCCCAAACCAGCCCCTGGGAGCAGCTGCCCTGTCCCCCAGGGCCCAGGGCTGCCT[C>T]ACCTCCAAAGTAGGAGCCGTCGGCCAGCTTGGTCTCCTTGTTGCCCTTGGTGAGCACGCT-3'